The following is an entry in ClinVar:

NM_001283009.2(RTEL1):c.2270del (p.Pro757fs)

Genes: RTEL1 (regulator of telomere elongation helicase 1; plus strand), RTEL1-TNFRSF6B (RTEL1-TNFRSF6B readthrough (NMD candidate); plus strand). Cytogenetic location: 20q13.33.
Variant type: Deletion.
Coding change: c.2270del on transcript NM_001283009.2 (MANE Select); coding-DNA position 2270, one base deleted (C; older notation c.2270delC).
Protein change: p.Pro757fs; shifts the reading frame from proline 757.
Molecular consequence: frameshift variant. On other transcripts: non-coding transcript variant (1).
Genome position (GRCh38, 1-based): chr20:63,690,298, C deleted; the last of 2 consecutive C bases (chr20:63,690,297-63,690,298); deleting either gives the same sequence. VCF-style (leftmost placement, unchanged base first): chr20-63690296-GC-G. GRCh37 (hg19) VCF-style: chr20-62321649-GC-G.
Other names: c.1601del, p.Pro534fs (NM_001283010.1); c.2270del, p.Pro757fs (NM_016434.4); c.2342del, p.Pro781fs (NM_032957.5); short protein forms P781fs, P757fs, P534fs.
Identifiers: ClinVar variation 1443666 (VCV001443666.6), dbSNP rs2145431569, ClinGen allele CA2573157230.

ClinVar aggregate classification (germline): Pathogenic (1 of 4 stars; one submission).

Conditions:
Pulmonary fibrosis and/or bone marrow failure, Telomere-related, 3. Also called: PULMONARY FIBROSIS AND/OR BONE MARROW FAILURE SYNDROME, TELOMERE-RELATED, 3. Identifiers: Orphanet 2032, MedGen C4225346, MONDO:0014613, OMIM 616373.
Dyskeratosis congenita, autosomal recessive 5 (DKCB5). Identifiers: MedGen C3554656, MONDO:0014076, OMIM 615190.

Submission:

Labcorp Genetics (formerly Invitae), Labcorp
Classification: Pathogenic for Dyskeratosis congenita, autosomal recessive 5; Pulmonary fibrosis and/or bone marrow failure, Telomere-related, 3. Last evaluated: 2021-07-24. Review status: criteria provided, single submitter. Criteria: Invitae Variant Classification Sherloc (09022015). Collection method: clinical testing. Allele origin: germline.
Comment: This sequence change creates a premature translational stop signal (p.Pro757Glnfs*43) in the RTEL1 gene. It is expected to result in an absent or disrupted protein product. Loss-of-function variants in RTEL1 are known to be pathogenic (PMID: 23453664, 23959892, 25607374). This variant is not present in population databases (ExAC no frequency). For these reasons, this variant has been classified as Pathogenic. This variant has not been reported in the literature in individuals affected with RTEL1-related conditions.

Literature cited by the submitters: PubMed 23453664; PubMed 23959892; PubMed 25607374.